The following is an entry in ClinVar:

NM_001042492.3(NF1):c.4724+5A>G

Gene: NF1 (neurofibromin 1; plus strand). Cytogenetic location: 17q11.2.
Variant type: single nucleotide variant.
Coding change: c.4724+5A>G on transcript NM_001042492.3 (MANE Select); 5 bases into the intron after coding-DNA position 4724, A replaced by G.
Molecular consequence: intron variant.
Genome position (GRCh38, 1-based): chr17:31,261,862, A>G. VCF-style: chr17-31261862-A-G. GRCh37 (hg19) VCF-style: chr17-29588880-A-G.
Other names: c.4661+5A>G (NM_000267.4).
Identifiers: ClinVar variation 1424750 (VCV001424750.7), dbSNP rs2151466564, ClinGen allele CA2573153660.

ClinVar aggregate classification (germline): Uncertain significance. Review status: criteria provided, multiple submitters, no conflicts (2 of 4 stars). 2 submissions from 2 submitters: Uncertain significance (2). Last evaluated 2023-10-31.

Conditions:
Cardiovascular phenotype. Identifiers: MedGen CN230736.
Hereditary cancer-predisposing syndrome. Also called: Hereditary neoplastic syndrome; Tumor predisposition; Hereditary Cancer Syndrome; Neoplastic Syndromes, Hereditary. Identifiers: Orphanet 140162, MedGen C0027672, MeSH D009386, MONDO:0015356.
Neurofibromatosis, type 1 (NF1). Also called: VON RECKLINGHAUSEN DISEASE; NEUROFIBROMATOSIS, TYPE I, SOMATIC; Neurofibromatosis, type I; Peripheral type neurofibromatosis. Identifiers: Orphanet 636, MedGen C0027831, MONDO:0018975, OMIM 162200. Disease mechanism: loss of function.

Submissions (2):

Ambry Genetics
Classification: Uncertain significance for Cardiovascular phenotype; Hereditary cancer-predisposing syndrome. Last evaluated: 2023-10-31. Review status: criteria provided, single submitter. Criteria: Ambry Variant Classification Scheme 2023. Collection method: clinical testing. Allele origin: germline.
Comment: The c.4661+5A>G intronic variant results from an A to G substitution 5 nucleotides after coding exon 34 in the NF1 gene. This nucleotide position is well conserved in available vertebrate species. In silico splice site analysis predicts that this alteration will not have any significant effect on splicing. Since supporting evidence is limited at this time, the clinical significance of this alteration remains unclear.

Labcorp Genetics (formerly Invitae), Labcorp
Classification: Uncertain significance for Neurofibromatosis, type 1. Last evaluated: 2021-11-06. Review status: criteria provided, single submitter. Criteria: Invitae Variant Classification Sherloc (09022015). Collection method: clinical testing. Allele origin: germline.
Comment: In summary, the available evidence is currently insufficient to determine the role of this variant in disease. Therefore, it has been classified as a Variant of Uncertain Significance. Variants that disrupt the consensus splice site are a relatively common cause of aberrant splicing (PMID: 17576681, 9536098). Algorithms developed to predict the effect of sequence changes on RNA splicing suggest that this variant may create or strengthen a splice site. This variant has not been reported in the literature in individuals affected with NF1-related conditions. This variant is not present in population databases (gnomAD no frequency). This sequence change falls in intron 34 of the NF1 gene. It does not directly change the encoded amino acid sequence of the NF1 protein. It affects a nucleotide within the consensus splice site.

Literature cited by the submitters: PubMed 17576681 (cited by Labcorp Genetics (formerly Invitae), Labcorp); PubMed 9536098 (cited by Labcorp Genetics (formerly Invitae), Labcorp).